The following is an entry in ClinVar:

NM_002473.6(MYH9):c.4204G>A (p.Glu1402Lys)

Gene: MYH9 (myosin heavy chain 9; minus strand). Cytogenetic location: 22q12.3.
Variant type: single nucleotide variant.
Coding change: c.4204G>A on transcript NM_002473.6 (MANE Select); coding-DNA position 4204, G replaced by A.
Protein change: p.Glu1402Lys; replaces glutamic acid 1402 with lysine.
Molecular consequence: missense variant.
Genome position (GRCh38, 1-based): chr22:36,292,126, C>T on the plus strand (G>A on the coding strand, the complement: MYH9 is on the minus strand). VCF-style: chr22-36292126-C-T. GRCh37 (hg19) VCF-style: chr22-36688172-C-T.
Other names: short protein forms E1402K.
Identifiers: ClinVar variation 3626709 (VCV003626709.2).
Genomic context (GRCh38, chr22:36,292,126, plus strand): 5'-GCTCCTGCTGCAGCCGCGTCTTGGTCTTCTCCAGCTTGTCGTAGGCGGCCACCTTCTCCT[C>T]GTGCCGCTGGCTCAGGCCCTCCAGGTCCTTCTGGAGCTTCCTCTTCACCTCCTCAGCAGT-3'
Protein context (NP_002464.1, residues 1392-1412): KDLEGLSQRH[Glu1402Lys]EKVAAYDKLE

ClinVar aggregate classification (germline): Uncertain significance (1 of 4 stars; one submission).

gnomAD v4.1: 5 of 1,614,204 alleles (0.00031%); highest among the groups gnomAD compares: South Asian, 0.0033%; no homozygotes.

Submission:

Labcorp Genetics (formerly Invitae), Labcorp
Classification: Uncertain significance. Last evaluated: 2024-04-30. Review status: criteria provided, single submitter. Criteria: Invitae Variant Classification Sherloc (09022015). Collection method: clinical testing. Allele origin: germline.
Comment: This sequence change replaces glutamic acid, which is acidic and polar, with lysine, which is basic and polar, at codon 1402 of the MYH9 protein (p.Glu1402Lys). This variant is not present in population databases (gnomAD no frequency). This variant has not been reported in the literature in individuals affected with MYH9-related conditions. Advanced modeling of protein sequence and biophysical properties (such as structural, functional, and spatial information, amino acid conservation, physicochemical variation, residue mobility, and thermodynamic stability) performed at Invitae indicates that this missense variant is not expected to disrupt MYH9 protein function with a negative predictive value of 95%. In summary, the available evidence is currently insufficient to determine the role of this variant in disease. Therefore, it has been classified as a Variant of Uncertain Significance.